The following is an entry in ClinVar:

ClinVar aggregate classification (germline): Benign/Likely benign. Review status: criteria provided, multiple submitters, no conflicts (2 of 4 stars). 4 submissions from 4 submitters: Benign (1); Likely benign (2). 1 of the submissions does not count toward it. Last evaluated 2026-01-16.

Conditions:
Inborn genetic diseases. Identifiers: MedGen C0950123, MeSH D030342.

Allele frequency attached by ClinVar (database versions not stated): TOPMed 0.00005; gnomAD 0.00016; gnomAD exomes 0.00082; ExAC 0.00095; 1000 Genomes Project 30x 0.00109; 1000 Genomes Project 0.00120.

Submissions (4):

Labcorp Genetics (formerly Invitae), Labcorp
Classification: Benign. Last evaluated: 2026-01-16. Review status: criteria provided, single submitter. Criteria: Invitae Variant Classification Sherloc (09022015). Collection method: clinical testing. Allele origin: germline.

Ambry Genetics
Classification: Likely benign for Inborn genetic diseases. Last evaluated: 2025-06-07. Review status: criteria provided, single submitter. Criteria: Ambry Variant Classification Scheme 2023. Collection method: clinical testing. Allele origin: germline.

Blueprint Genetics
Classification: Likely benign. Last evaluated: 2024-10-08. Review status: criteria provided, single submitter. Criteria: ACMG Guidelines, 2015. Collection method: clinical testing. Allele origin: germline.

Department of Pathology and Laboratory Medicine, Sinai Health System
Classification: Benign. Review status: no assertion criteria provided. Collection method: clinical testing. Allele origin: unknown. Affected: yes. Study: The Canadian Open Genetics Repository (COGR). Not counted in ClinVar's aggregate classification.
Comment: The FAM111A p.Met106Val variant was not identified in the literature nor was it identified in ClinVar or LOVD 3.0. The variant was identified in dbSNP (ID: rs368439990) and in control databases in 208 of 282712 chromosomes (1 homozygous) at a frequency of 0.0007357 increasing the likelihood this could be a low frequency benign variant (Genome Aggregation Database March 6, 2019, v2.1.1). The variant was observed in the following populations: South Asian in 196 of 30616 chromosomes (freq: 0.006402), Latino in 10 of 35396 chromosomes (freq: 0.000283) and Other in 2 of 7216 chromosomes (freq: 0.000277), but was not observed in the African, Ashkenazi Jewish, East Asian, European (Finnish), and European (non-Finnish) populations. The p.Met106 residue is not conserved in mammals and computational analyses (PolyPhen-2, SIFT, AlignGVGD, BLOSUM, MutationTaster) do not suggest a high likelihood of impact to the protein; however, this information is not predictive enough to rule out pathogenicity. The variant occurs outside of the splicing consensus sequence and in silico or computational prediction software programs (SpliceSiteFinder, MaxEntScan, NNSPLICE, GeneSplicer) do not predict a difference in splicing. In summary, based on the above information this variant meets our laboratory's criteria to be classified as benign.

NM_001312909.2(FAM111A):c.316A>G (p.Met106Val)

Gene: FAM111A (FAM111 trypsin like peptidase A; plus strand). Cytogenetic location: 11q12.1.
Variant type: single nucleotide variant.
Coding change: c.316A>G on transcript NM_001312909.2 (MANE Select); coding-DNA position 316, A replaced by G.
Protein change: p.Met106Val; replaces methionine 106 with valine.
Molecular consequence: missense variant.
Genome position (GRCh38, 1-based): chr11:59,151,984, A>G. VCF-style: chr11-59151984-A-G. GRCh37 (hg19) VCF-style: chr11-58919457-A-G.
Other names: c.316A>G (NM_001142520.1); c.316A>G, p.Met106Val (NM_001142519.3, NM_001142520.3, NM_001142521.3 and 29 more transcripts); short protein forms M106V.
Identifiers: ClinVar variation 1050510 (VCV001050510.8), dbSNP rs368439990, ClinGen allele CA6016553.